The following is an entry in ClinVar:

NM_025114.4(CEP290):c.5159C>G (p.Thr1720Arg)

Gene: CEP290 (centrosomal protein 290; minus strand). Cytogenetic location: 12q21.32.
Variant type: single nucleotide variant.
Coding change: c.5159C>G on transcript NM_025114.4 (MANE Select); coding-DNA position 5159, C replaced by G.
Protein change: p.Thr1720Arg; replaces threonine 1720 with arginine.
Molecular consequence: missense variant.
Genome position (GRCh38, 1-based): chr12:88,080,249, G>C on the plus strand (C>G on the coding strand, the complement: CEP290 is on the minus strand). VCF-style: chr12-88080249-G-C. GRCh37 (hg19) VCF-style: chr12-88474026-G-C.
Other names: c.5159C>G (NM_025114.3); short protein forms T1720R.
Identifiers: ClinVar variation 2196938 (VCV002196938.6), dbSNP rs927020750, ClinGen allele CA241154641.
Genomic context (GRCh38, chr12:88,080,249, plus strand): 5'-TGTTTCTCCTTCAAGGCTAATTGGCTCTTTAGCCGTTCTACTAGATTTCTCATTGTAGTT[G>C]TTGGAGCTCTTGAATTTGCTTCTTTTTGAGCCTGAAGTTCAGATTTTAAACACTGTGACT-3'
Protein context (NP_079390.3, residues 1710-1730): AQKEANSRAP[Thr1720Arg]TTMRNLVERL

ClinVar aggregate classification (germline): Uncertain significance. Review status: criteria provided, multiple submitters, no conflicts (2 of 4 stars). 3 submissions from 3 submitters: Uncertain significance (3). Last evaluated 2025-08-11.

Conditions:
CEP290-related disorder. Also called: CEP290-related condition; CEP290-related disorders. Identifiers: MedGen CN239314.
Nephronophthisis. Also called: Juvenile Nephronophthisis. Identifiers: Orphanet 655, MedGen C0687120, MONDO:0019005, HP:0000090.
Meckel-Gruber syndrome. Also called: DYSENCEPHALIA SPLANCHNOCYSTICA; GRUBER SYNDROME; Dysencephalia splachnocystica. Identifiers: Orphanet 564, MedGen C0265215, MONDO:0018921.
Joubert syndrome. Also called: JOUBERT-BOLTSHAUSER SYNDROME; Familial aplasia of the vermis. Identifiers: Orphanet 475, MedGen C5979921, MONDO:0018772.
Bardet-Biedl syndrome 14 (BBS14). Identifiers: Orphanet 110, MedGen C2673874, MONDO:0014442, OMIM 615991.

Allele frequency attached by ClinVar (database versions not stated): gnomAD exomes below 0.00001.
gnomAD v4.1: 1 of 1,613,344 alleles (0.000062%); highest among the groups gnomAD compares: Middle Eastern, 0.016%; no homozygotes.

Submissions (3):

PreventionGenetics, part of Exact Sciences
Classification: Uncertain significance for CEP290-related condition. Last evaluated: 2025-08-11. Review status: criteria provided, single submitter. Criteria: ACMG Guidelines, 2015. Collection method: clinical testing. Allele origin: germline.
Comment: The CEP290 c.5159C>G variant is predicted to result in the amino acid substitution p.Thr1720Arg. To our knowledge, this variant has not been reported in the literature or in a large population database (gnomAD), indicating this variant is rare. At this time, the clinical significance of this variant is uncertain due to the absence of conclusive functional and genetic evidence.

Genomic Research Center, Shahid Beheshti University of Medical Sciences
Classification: Uncertain significance for Bardet-Biedl syndrome 14. Last evaluated: 2024-10-08. Review status: criteria provided, single submitter. Criteria: ACMG Guidelines, 2015. Collection method: clinical testing. Allele origin: inherited. Inheritance: Autosomal recessive inheritance. Affected: yes. Observed: 1 homozygote.
Comment: This variant is extremely low frequency in gnomAD population databases. This variant has not been reported in the literature in individuals affected with CEP290-related conditions. It has been classified as a Variant of Uncertain Significance.

Labcorp Genetics (formerly Invitae), Labcorp
Classification: Uncertain significance for Joubert syndrome; Meckel-Gruber syndrome; Nephronophthisis. Last evaluated: 2023-11-27. Review status: criteria provided, single submitter. Criteria: Invitae Variant Classification Sherloc (09022015). Collection method: clinical testing. Allele origin: germline.
Comment: This sequence change replaces threonine, which is neutral and polar, with arginine, which is basic and polar, at codon 1720 of the CEP290 protein (p.Thr1720Arg). This variant is not present in population databases (gnomAD no frequency). This variant has not been reported in the literature in individuals affected with CEP290-related conditions. ClinVar contains an entry for this variant (Variation ID: 2196938). Advanced modeling of protein sequence and biophysical properties (such as structural, functional, and spatial information, amino acid conservation, physicochemical variation, residue mobility, and thermodynamic stability) performed at Invitae indicates that this missense variant is expected to disrupt CEP290 protein function with a positive predictive value of 80%. In summary, the available evidence is currently insufficient to determine the role of this variant in disease. Therefore, it has been classified as a Variant of Uncertain Significance.